The following is an entry in ClinVar:

NM_021728.4(OTX2):c.821G>A (p.Trp274Ter)

Gene: OTX2 (orthodenticle homeobox 2; minus strand). Cytogenetic location: 14q22.3.
Variant type: single nucleotide variant.
Coding change: c.821G>A on transcript NM_021728.4 (MANE Select); coding-DNA position 821, G replaced by A.
Protein change: p.Trp274Ter; replaces tryptophan 274 with a stop codon.
Molecular consequence: nonsense. On other transcripts: non-coding transcript variant (2).
Genome position (GRCh38, 1-based): chr14:56,801,808, C>T on the plus strand (G>A on the coding strand, the complement: OTX2 is on the minus strand). VCF-style: chr14-56801808-C-T. GRCh37 (hg19) VCF-style: chr14-57268526-C-T.
Other names: c.797G>A, p.Trp266Ter (NM_001270523.2, NM_001270524.2, NM_172337.3); c.821G>A, p.Trp274Ter (NM_001270525.2); short protein forms W266*, W274*.
Identifiers: ClinVar variation 1018121 (VCV001018121.7), dbSNP rs1891888072, ClinGen allele CA390051050.
Genomic context (GRCh38, chr14:56,801,808, plus strand): 5'-AATTTCCACGAGGATGTCTGATCTTTATAATCCAAGCAGTCAGCATTGAAGTTAAGCTTC[C>T]AGGAGGCAGTTTGGTCCTTATAATCCAAGCAATCAGTGGTTGAGTTAAAACCCAAGCTTG-3'

ClinVar aggregate classification (germline): Uncertain significance (1 of 4 stars; one submission).

Conditions:
Anophthalmia-microphthalmia syndrome. Also called: Anophthalmia/Microphthalmia; Anophthalmia - microphthalmia. Identifiers: Orphanet 98555, MedGen C5680330, MONDO:0020147.

Submission:

Labcorp Genetics (formerly Invitae), Labcorp
Classification: Uncertain significance for Anophthalmia-microphthalmia syndrome. Last evaluated: 2022-07-19. Review status: criteria provided, single submitter. Criteria: Invitae Variant Classification Sherloc (09022015). Collection method: clinical testing. Allele origin: germline.
Comment: In summary, the available evidence is currently insufficient to determine the role of this variant in disease. Therefore, it has been classified as a Variant of Uncertain Significance. Algorithms developed to predict the effect of sequence changes on RNA splicing suggest that this variant may create or strengthen a splice site. ClinVar contains an entry for this variant (Variation ID: 1018121). This variant has not been reported in the literature in individuals affected with OTX2-related conditions. This variant is not present in population databases (gnomAD no frequency). This sequence change creates a premature translational stop signal (p.Trp266*) in the OTX2 gene. While this is not anticipated to result in nonsense mediated decay, it is expected to disrupt the last 24 amino acid(s) of the OTX2 protein.